The following is an entry in ClinVar:

NM_033028.5(BBS4):c.10G>T (p.Glu4Ter)

Gene: BBS4 (Bardet-Biedl syndrome 4; plus strand). Cytogenetic location: 15q24.1.
Variant type: single nucleotide variant.
Coding change: c.10G>T on transcript NM_033028.5 (MANE Select); coding-DNA position 10, G replaced by T.
Protein change: p.Glu4Ter; replaces glutamic acid 4 with a stop codon.
Molecular consequence: nonsense. On other transcripts: 5 prime UTR variant (1), non-coding transcript variant (2).
Genome position (GRCh38, 1-based): chr15:72,686,237, G>T. VCF-style: chr15-72686237-G-T. GRCh37 (hg19) VCF-style: chr15-72978578-G-T.
Other names: c.-460G>T (NM_001252678.2); c.10G>T, p.Glu4Ter (NM_001320665.2); short protein forms E4*.
Identifiers: ClinVar variation 2197130 (VCV002197130.6), dbSNP rs1336636537, ClinGen allele CA393075014.

ClinVar aggregate classification (germline): Pathogenic/Likely pathogenic. Review status: criteria provided, multiple submitters, no conflicts (2 of 4 stars). 3 submissions from 3 submitters: Pathogenic (1); Likely pathogenic (2). Last evaluated 2024-05-04.

Conditions:
Bardet-Biedl syndrome (BBS). Identifiers: Orphanet 110, MedGen C0752166, MONDO:0015229.
Bardet-Biedl syndrome 4 (BBS4). Identifiers: Orphanet 110, MedGen C2936864, MONDO:0014433, OMIM 615982.

Submissions (3):

Fulgent Genetics
Classification: Likely pathogenic for Bardet-Biedl syndrome 4. Last evaluated: 2024-05-04. Review status: criteria provided, single submitter. Criteria: ACMG Guidelines, 2015. Collection method: clinical testing. Allele origin: germline.

Baylor Genetics
Classification: Likely pathogenic for Bardet-Biedl syndrome 4. Last evaluated: 2023-08-10. Review status: criteria provided, single submitter. Criteria: ACMG Guidelines, 2015. Collection method: clinical testing. Allele origin: unknown.

Labcorp Genetics (formerly Invitae), Labcorp
Classification: Pathogenic for Bardet-Biedl syndrome. Last evaluated: 2022-08-30. Review status: criteria provided, single submitter. Criteria: Invitae Variant Classification Sherloc (09022015). Collection method: clinical testing. Allele origin: germline.
Comment: For these reasons, this variant has been classified as Pathogenic. This variant has not been reported in the literature in individuals affected with BBS4-related conditions. This variant is not present in population databases (gnomAD no frequency). This sequence change creates a premature translational stop signal (p.Glu4*) in the BBS4 gene. It is expected to result in an absent or disrupted protein product. Loss-of-function variants in BBS4 are known to be pathogenic (PMID: 11381270, 12016587, 20177705, 27894351).

Literature cited by the submitters: PubMed 11381270 (cited by Labcorp Genetics (formerly Invitae), Labcorp); PubMed 12016587 (cited by Labcorp Genetics (formerly Invitae), Labcorp); PubMed 20177705 (cited by Labcorp Genetics (formerly Invitae), Labcorp); PubMed 27894351 (cited by Labcorp Genetics (formerly Invitae), Labcorp).